The following is an entry in ClinVar:

NM_016816.4(OAS1):c.515A>G (p.Lys172Arg)

Gene: OAS1 (2'-5'-oligoadenylate synthetase 1; plus strand). Cytogenetic location: 12q24.13.
Variant type: single nucleotide variant.
Coding change: c.515A>G on transcript NM_016816.4 (MANE Select); coding-DNA position 515, A replaced by G.
Protein change: p.Lys172Arg; replaces lysine 172 with arginine.
Molecular consequence: missense variant.
Genome position (GRCh38, 1-based): chr12:112,911,096, A>G. VCF-style: chr12-112911096-A-G. GRCh37 (hg19) VCF-style: chr12-113348901-A-G.
Other names: c.515A>G, p.Lys172Arg (NM_001032409.3, NM_001320151.2, NM_001406022.1 and 2 more transcripts); short protein forms K172R.
Identifiers: ClinVar variation 1968983 (VCV001968983.5), dbSNP rs1054925988, ClinGen allele CA243748570.

ClinVar aggregate classification (germline): Uncertain significance (1 of 4 stars; one submission).

Allele frequency attached by ClinVar (database versions not stated): gnomAD exomes 0.00001.
gnomAD v4.1: 5 of 1,614,048 alleles (0.00031%); highest among the groups gnomAD compares: South Asian, 0.0011%; no homozygotes.

Submission:

Labcorp Genetics (formerly Invitae), Labcorp
Classification: Uncertain significance. Last evaluated: 2022-08-23. Review status: criteria provided, single submitter. Criteria: Invitae Variant Classification Sherloc (09022015). Collection method: clinical testing. Allele origin: germline.
Comment: In summary, the available evidence is currently insufficient to determine the role of this variant in disease. Therefore, it has been classified as a Variant of Uncertain Significance. Algorithms developed to predict the effect of sequence changes on RNA splicing suggest that this variant may disrupt the consensus splice site. Algorithms developed to predict the effect of missense changes on protein structure and function output the following: SIFT: "Not Available"; PolyPhen-2: "Benign"; Align-GVGD: "Not Available". The arginine amino acid residue is found in multiple mammalian species, which suggests that this missense change does not adversely affect protein function. This variant has not been reported in the literature in individuals affected with OAS1-related conditions. This variant is present in population databases (no rsID available, gnomAD 0.0009%). This sequence change replaces lysine, which is basic and polar, with arginine, which is basic and polar, at codon 172 of the OAS1 protein (p.Lys172Arg).